The following is an entry in ClinVar:

NM_001184.4(ATR):c.6687+4C>A

Gene: ATR (ATR checkpoint kinase; minus strand). Cytogenetic location: 3q23.
Variant type: single nucleotide variant.
Coding change: c.6687+4C>A on transcript NM_001184.4 (MANE Select); 4 bases into the intron after coding-DNA position 6687, C replaced by A.
Molecular consequence: intron variant.
Genome position (GRCh38, 1-based): chr3:142,467,930, G>T on the plus strand (C>A on the coding strand, the complement: ATR is on the minus strand). VCF-style: chr3-142467930-G-T. GRCh37 (hg19) VCF-style: chr3-142186772-G-T.
Other names: c.6495+4C>A (NM_001354579.2).
Identifiers: ClinVar variation 2053488 (VCV002053488.4), dbSNP rs1205541000, ClinGen allele CA546574020.

ClinVar aggregate classification (germline): Uncertain significance (1 of 4 stars; one submission).

Allele frequency attached by ClinVar (database versions not stated): TOPMed below 0.00001; gnomAD exomes below 0.00001.

Submission:

Labcorp Genetics (formerly Invitae), Labcorp
Classification: Uncertain significance. Last evaluated: 2022-06-09. Review status: criteria provided, single submitter. Criteria: Invitae Variant Classification Sherloc (09022015). Collection method: clinical testing. Allele origin: germline.
Comment: This variant is present in population databases (no rsID available, gnomAD 0.0009%). This sequence change falls in intron 39 of the ATR gene. It does not directly change the encoded amino acid sequence of the ATR protein. It affects a nucleotide within the consensus splice site. This variant has not been reported in the literature in individuals affected with ATR-related conditions. In summary, the available evidence is currently insufficient to determine the role of this variant in disease. Therefore, it has been classified as a Variant of Uncertain Significance. Variants that disrupt the consensus splice site are a relatively common cause of aberrant splicing (PMID: 17576681, 9536098). Algorithms developed to predict the effect of sequence changes on RNA splicing suggest that this variant may disrupt the consensus splice site.

Literature cited by the submitters: PubMed 17576681; PubMed 9536098.